The following is an entry in ClinVar:

NM_183376.3(ARRDC4):c.544G>C (p.Glu182Gln)

Gene: ARRDC4 (arrestin domain containing 4; plus strand). Cytogenetic location: 15q26.2.
Variant type: single nucleotide variant.
Coding change: c.544G>C on transcript NM_183376.3 (MANE Select); coding-DNA position 544, G replaced by C.
Protein change: p.Glu182Gln; replaces glutamic acid 182 with glutamine.
Molecular consequence: missense variant.
Genome position (GRCh38, 1-based): chr15:97,968,035, G>C. VCF-style: chr15-97968035-G-C. GRCh37 (hg19) VCF-style: chr15-98511265-G-C.
Other names: short protein forms E182Q.
Identifiers: ClinVar variation 3345934 (VCV003345934.1).

ClinVar aggregate classification (germline): Uncertain significance (0 of 4 stars; one submission).

Conditions:
ARRDC4-related condition.

Submission:

PreventionGenetics, part of Exact Sciences
Classification: Uncertain significance for ARRDC4-related condition. Last evaluated: 2024-09-11. Review status: no assertion criteria provided. Collection method: clinical testing. Allele origin: germline.
Comment: The ARRDC4 c.544G>C variant is predicted to result in the amino acid substitution p.Glu182Gln. To our knowledge, this variant has not been reported in the literature or in a large population database, indicating this variant is rare. At this time, the clinical significance of this variant is uncertain due to the absence of conclusive functional and genetic evidence.